The following is an entry in ClinVar:

NM_002890.3(RASA1):c.2036G>A (p.Arg679Gln)

Genes: CCNH (cyclin H; minus strand), RASA1 (RAS p21 protein activator 1; plus strand). Cytogenetic location: 5q14.3.
Variant type: single nucleotide variant.
Coding change: c.2036G>A on transcript NM_002890.3 (MANE Select); coding-DNA position 2036, G replaced by A.
Protein change: p.Arg679Gln; replaces arginine 679 with glutamine.
Molecular consequence: missense variant. On other transcripts: intron variant (1).
Genome position (GRCh38, 1-based): chr5:87,376,417, G>A. VCF-style: chr5-87376417-G-A. GRCh37 (hg19) VCF-style: chr5-86672234-G-A.
Other names: c.1505G>A, p.Arg502Gln (NM_022650.3); c.933+18627C>T (NM_001364075.2); short protein forms R679Q, R502Q.
Identifiers: ClinVar variation 1784821 (VCV001784821.6), dbSNP rs762279462, ClinGen allele CA3335916.

ClinVar aggregate classification (germline): Uncertain significance. Review status: criteria provided, multiple submitters, no conflicts (2 of 4 stars). 2 submissions from 2 submitters: Uncertain significance (2). Last evaluated 2025-02-12.

Conditions:
Cardiovascular phenotype. Identifiers: MedGen CN230736.
Capillary malformation-arteriovenous malformation syndrome. Also called: Capillary malformation-arteriovenous malformation. Identifiers: Orphanet 137667, MedGen C1842180, MONDO:0012016.

Allele frequency attached by ClinVar (database versions not stated): gnomAD exomes 0.00001; gnomAD 0.00001; ExAC 0.00002; TOPMed 0.00001.
gnomAD v4.1: 16 of 1,613,798 alleles (0.00099%); highest among the groups gnomAD compares: African/African-American, 0.0053%; no homozygotes.

Submissions (2):

Labcorp Genetics (formerly Invitae), Labcorp
Classification: Uncertain significance for Capillary malformation-arteriovenous malformation syndrome. Last evaluated: 2025-02-12. Review status: criteria provided, single submitter. Criteria: Invitae Variant Classification Sherloc (09022015). Collection method: clinical testing. Allele origin: germline.
Comment: This sequence change replaces arginine, which is basic and polar, with glutamine, which is neutral and polar, at codon 679 of the RASA1 protein (p.Arg679Gln). This variant is present in population databases (rs762279462, gnomAD 0.006%). This variant has not been reported in the literature in individuals affected with RASA1-related conditions. ClinVar contains an entry for this variant (Variation ID: 1784821). An algorithm developed to predict the effect of missense changes on protein structure and function (PolyPhen-2) suggests that this variant is likely to be tolerated. In summary, the available evidence is currently insufficient to determine the role of this variant in disease. Therefore, it has been classified as a Variant of Uncertain Significance.

Ambry Genetics
Classification: Uncertain significance for Cardiovascular phenotype. Last evaluated: 2022-05-07. Review status: criteria provided, single submitter. Criteria: Ambry Variant Classification Scheme 2023. Collection method: clinical testing. Allele origin: germline.
Comment: The p.R679Q variant (also known as c.2036G>A), located in coding exon 16 of the RASA1 gene, results from a G to A substitution at nucleotide position 2036. The arginine at codon 679 is replaced by glutamine, an amino acid with highly similar properties. This amino acid position is conserved. In addition, the in silico prediction for this alteration is inconclusive. Since supporting evidence is limited at this time, the clinical significance of this alteration remains unclear.